The following is an entry in ClinVar:

ClinVar aggregate classification (germline): Pathogenic (1 of 4 stars; one submission).

Submission:

Labcorp Genetics (formerly Invitae), Labcorp
Classification: Pathogenic. Last evaluated: 2023-06-27. Review status: criteria provided, single submitter. Criteria: Invitae Variant Classification Sherloc (09022015). Collection method: clinical testing. Allele origin: germline.
Comment: ClinVar contains an entry for this variant (Variation ID: 940938). This variant has not been reported in the literature in individuals affected with LAMA3-related conditions. This variant is not present in population databases (gnomAD no frequency). This sequence change creates a premature translational stop signal (p.Arg269Valfs*11) in the LAMA3 gene. It is expected to result in an absent or disrupted protein product. Loss-of-function variants in LAMA3 are known to be pathogenic (PMID: 10366601, 11810295, 12915477, 16473856, 17362460, 22434185, 23869449, 27827380, 28087116). For these reasons, this variant has been classified as Pathogenic.

Literature cited by the submitters: PubMed 10366601; PubMed 11810295; PubMed 12915477; PubMed 16473856; PubMed 17362460; PubMed 22434185; PubMed 23869449; PubMed 27827380; PubMed 28087116.

NM_198129.4(LAMA3):c.5632del (p.Arg1878fs)

Gene: LAMA3 (laminin subunit alpha 3; plus strand). Cytogenetic location: 18q11.2.
Variant type: Deletion.
Coding change: c.5632del on transcript NM_198129.4 (MANE Select); coding-DNA position 5632, one base deleted (C; older notation c.5632delC).
Protein change: p.Arg1878fs; shifts the reading frame from arginine 1878.
Molecular consequence: frameshift variant.
Genome position (GRCh38, 1-based): chr18:23,898,756, C deleted; the last of 2 consecutive C bases (chr18:23,898,755-23,898,756); deleting either gives the same sequence. VCF-style (leftmost placement, unchanged base first): chr18-23898754-AC-A. GRCh37 (hg19) VCF-style: chr18-21478718-AC-A.
Other names: c.805del, p.Arg269fs (NM_000227.6, NM_001127718.4); c.5632del, p.Arg1878fs (NM_001127717.4); short protein forms R269fs, R1878fs.
Identifiers: ClinVar variation 940938 (VCV000940938.7), dbSNP rs2080963405, ClinGen allele CA1139665981.